The following is an entry in ClinVar:

NM_130837.3(OPA1):c.2495A>G (p.Tyr832Cys)

Gene: OPA1 (OPA1 mitochondrial dynamin like GTPase; plus strand). Cytogenetic location: 3q29.
Variant type: single nucleotide variant.
Coding change: c.2495A>G on transcript NM_130837.3 (MANE Select); coding-DNA position 2495, A replaced by G.
Protein change: p.Tyr832Cys; replaces tyrosine 832 with cysteine.
Molecular consequence: missense variant.
Genome position (GRCh38, 1-based): chr3:193,659,536, A>G. VCF-style: chr3-193659536-A-G. GRCh37 (hg19) VCF-style: chr3-193377325-A-G.
Other names: c.1961A>G, p.Tyr654Cys (NM_001354663.2); c.1958A>G, p.Tyr653Cys (NM_001354664.2); c.2330A>G, p.Tyr777Cys (NM_015560.3); c.2222A>G, p.Tyr741Cys (NM_130831.3); c.2276A>G, p.Tyr759Cys (NM_130832.3); c.2333A>G, p.Tyr778Cys (NM_130833.3); c.2384A>G, p.Tyr795Cys (NM_130834.3); c.2387A>G, p.Tyr796Cys (NM_130835.3); and 1 more; short protein forms Y654C, Y795C, Y796C, Y653C, Y778C, Y741C, Y759C, Y814C.
Identifiers: ClinVar variation 1956492 (VCV001956492.5), dbSNP rs2475088146, ClinGen allele CA355792925.
Genomic context (GRCh38, chr3:193,659,536, plus strand): 5'-TTCTAGCTGAAAATGCAATTGAAAACATGGTGGGTCCAGACTGGAAAAAGAGGTGGTTAT[A>G]CTGGAAGAATCGGACCCAAGAACAGGTAGAAATAAACAAGTCTCTAGTCTTATGATGATA-3'
Protein context (NP_570850.2, residues 822-842): VGPDWKKRWL[Tyr832Cys]WKNRTQEQCV

ClinVar aggregate classification (germline): Uncertain significance (1 of 4 stars; one submission).

gnomAD v4.1: 2 of 1,612,364 alleles (0.00012%); highest among the groups gnomAD compares: African/African-American, 0.0013%; no homozygotes.

Submission:

Labcorp Genetics (formerly Invitae), Labcorp
Classification: Uncertain significance. Last evaluated: 2025-06-12. Review status: criteria provided, single submitter. Criteria: Invitae Variant Classification Sherloc (09022015). Collection method: clinical testing. Allele origin: germline.
Comment: This sequence change replaces tyrosine, which is neutral and polar, with cysteine, which is neutral and slightly polar, at codon 777 of the OPA1 protein (p.Tyr777Cys). This variant is not present in population databases (gnomAD no frequency). This variant has not been reported in the literature in individuals affected with OPA1-related conditions. ClinVar contains an entry for this variant (Variation ID: 1956492). Invitae Evidence Modeling of protein sequence and biophysical properties (such as structural, functional, and spatial information, amino acid conservation, physicochemical variation, residue mobility, and thermodynamic stability) indicates that this missense variant is not expected to disrupt OPA1 protein function with a negative predictive value of 80%. In summary, the available evidence is currently insufficient to determine the role of this variant in disease. Therefore, it has been classified as a Variant of Uncertain Significance.